The following is an entry in ClinVar:

NM_001122630.2(CDKN1C):c.567_584del (p.186_187AP[7])

Gene: CDKN1C (cyclin dependent kinase inhibitor 1C; minus strand). Cytogenetic location: 11p15.4.
Variant type: Indel.
Coding change: c.567_584del on transcript NM_001122630.2 (MANE Select); coding-DNA positions 567 to 584, 18 bases deleted (AGCCCCGGCCCCGGCCCC).
Protein change: p.186_187AP[7].
Molecular consequence: inframe deletion. On other transcripts: intron variant (1).
Genome position (GRCh38, 1-based): chr11:2,884,873-2,884,890, GGGGCCGGGGCCGGGGCT deleted on the plus strand (AGCCCCGGCCCCGGCCCC on the coding strand, the reverse complement: CDKN1C is on the minus strand); deleting any 18 consecutive bases within chr11:2,884,873-2,884,903 gives the same sequence; the c. name uses the placement nearest the transcript's 3' end. VCF-style (leftmost placement, unchanged base first): chr11-2884872-CGGGGCCGGGGCCGGGGCT-C. GRCh37 (hg19) VCF-style: chr11-2906102-CGGGGCCGGGGCCGGGGCT-C.
Other names: c.600_617del, p.197_198AP[7] (LRG_533t1, NM_000076.2, NM_001362474.2); c.567_584del, p.186_187AP[7] (NM_001122631.2); c.255+312_255+329del (NM_001362475.2); c.600_617delAGCCCCGGCCCCGGCCCC (NM_000076.2).
Identifiers: ClinVar variation 236962 (VCV000236962.39), dbSNP rs878853636, ClinGen allele CA10582896.

ClinVar aggregate classification (germline): Benign/Likely benign. Review status: criteria provided, multiple submitters, no conflicts (2 of 4 stars). 3 submissions from 3 submitters: Benign (2); Likely benign (1). Last evaluated 2026-01-06.

Conditions:
Beckwith-Wiedemann syndrome (BWS). Also called: EMG SYNDROME; Exomphalos macroglossia gigantism syndrome. Identifiers: Orphanet 116, MedGen C0004903, MONDO:0007534, OMIM 130650.

Submissions (3):

Labcorp Genetics (formerly Invitae), Labcorp
Classification: Benign for Beckwith-Wiedemann syndrome. Last evaluated: 2026-01-06. Review status: criteria provided, single submitter. Criteria: Invitae Variant Classification Sherloc (09022015). Collection method: clinical testing. Allele origin: germline.

CeGaT Center for Human Genetics Tuebingen
Classification: Benign. Last evaluated: 2023-06-01. Review status: criteria provided, single submitter. Criteria: CeGaT Center For Human Genetics Tuebingen Variant Classification Criteria Version 2. Collection method: clinical testing. Allele origin: germline. Affected: yes. Observed: 2 variant alleles.
Comment: CDKN1C: BS1, BS2

Genetic Services Laboratory, University of Chicago
Classification: Likely benign. Last evaluated: 2021-12-10. Review status: criteria provided, single submitter. Criteria: ACMG Guidelines, 2015. Collection method: clinical testing. Allele origin: germline. Affected: no.